The following is an entry in ClinVar:

ClinVar aggregate classification (germline): Uncertain significance. Review status: criteria provided, multiple submitters, no conflicts (2 of 4 stars). 3 submissions from 3 submitters: Uncertain significance (2). 1 of the submissions does not count toward it. Last evaluated 2025-11-01.

Conditions:
Glycogen storage disease type III (GSD3). Also called: Cori disease; FORBES DISEASE. Identifiers: Orphanet 366, MedGen C0017922, MONDO:0009291, OMIM 232400.

Allele frequency attached by ClinVar (database versions not stated): TOPMed below 0.00001; gnomAD 0.00001; gnomAD exomes 0.00001.
gnomAD v4.1: 15 of 1,596,332 alleles (0.00094%); highest among the groups gnomAD compares: Non-Finnish European, 0.0013%; no homozygotes.

Submissions (3):

Labcorp Genetics (formerly Invitae), Labcorp
Classification: Uncertain significance for Glycogen storage disease type III. Last evaluated: 2025-11-01. Review status: criteria provided, single submitter. Criteria: Invitae Variant Classification Sherloc (09022015). Collection method: clinical testing. Allele origin: germline.
Comment: This sequence change falls in intron 31 of the AGL gene. It does not directly change the encoded amino acid sequence of the AGL protein. It affects a nucleotide within the consensus splice site. The frequency data for this variant in the population databases is considered unreliable, as metrics indicate poor data quality at this position in the gnomAD database. This variant has not been reported in the literature in individuals affected with AGL-related conditions. ClinVar contains an entry for this variant (Variation ID: 1009374). Variants that disrupt the consensus splice site are a relatively common cause of aberrant splicing (PMID: 17576681, 9536098). Algorithms developed to predict the effect of sequence changes on RNA splicing suggest that this variant may disrupt the consensus splice site. In summary, the available evidence is currently insufficient to determine the role of this variant in disease. Therefore, it has been classified as a Variant of Uncertain Significance.

Mayo Clinic Laboratories, Mayo Clinic
Classification: Uncertain significance. Last evaluated: 2024-03-11. Review status: criteria provided, single submitter. Criteria: ACMG Guidelines, 2015. Collection method: clinical testing. Allele origin: germline. Observed: 1 variant allele.

Natera, Inc.
Classification: Uncertain significance for Glycogen storage disease type III. Last evaluated: 2020-06-26. Review status: no assertion criteria provided. Collection method: clinical testing. Allele origin: germline. Not counted in ClinVar's aggregate classification.

Literature cited by the submitters: PubMed 17576681 (cited by Labcorp Genetics (formerly Invitae), Labcorp); PubMed 9536098 (cited by Labcorp Genetics (formerly Invitae), Labcorp).

NM_000642.3(AGL):c.4260-3C>T

Gene: AGL (amylo-alpha-1,6-glucosidase and 4-alpha-glucanotransferase; plus strand). Cytogenetic location: 1p21.2.
Variant type: single nucleotide variant.
Coding change: c.4260-3C>T on transcript NM_000642.3 (MANE Select); 3 bases into the intron before coding-DNA position 4260, C replaced by T.
Molecular consequence: intron variant.
Genome position (GRCh38, 1-based): chr1:99,916,407, C>T. VCF-style: chr1-99916407-C-T. GRCh37 (hg19) VCF-style: chr1-100381963-C-T.
Other names: p.?; c.4260-3C>T (NM_000643.3, NM_000644.3, NM_001425325.1 and 1 more transcripts); c.4212-3C>T (NM_000646.3); c.4239-3C>T (NM_001425326.1); c.4059-3C>T (NM_001425327.1); c.4056-3C>T (NM_001425328.1); c.3921-3C>T (NM_001425329.1); c.3882-3C>T (NM_001425332.1).
Identifiers: ClinVar variation 1009374 (VCV001009374.8), dbSNP rs1334595745, ClinGen allele CA524878304.
Genomic context (GRCh38, chr1:99,916,407, plus strand): 5'-CTAATGCTTTTTACATAATATCTGATCATCTTTTATTTAACTTAAATTTCAATCATTTTG[C>T]AGTGATATGGTTTACTGTGGAATTTATGACAATGCATTAGACAATGACAACTACAATCTT-3'